The following is an entry in ClinVar:

NM_015065.3(EXPH5):c.1803G>A (p.Gln601=)

Gene: EXPH5 (exophilin 5; minus strand). Cytogenetic location: 11q22.3.
Variant type: single nucleotide variant.
Coding change: c.1803G>A on transcript NM_015065.3 (MANE Select); coding-DNA position 1803, G replaced by A.
Protein change: p.Gln601=; no amino-acid change (glutamine 601 retained).
Molecular consequence: synonymous variant.
Genome position (GRCh38, 1-based): chr11:108,513,704, C>T on the plus strand (G>A on the coding strand, the complement: EXPH5 is on the minus strand). VCF-style: chr11-108513704-C-T. GRCh37 (hg19) VCF-style: chr11-108384431-C-T.
Other names: c.1575G>A, p.Gln525= (NM_001144763.2); c.1335G>A, p.Gln445= (NM_001144764.2); c.1239G>A, p.Gln413= (NM_001144765.2); c.1782G>A, p.Gln594= (NM_001308019.2).
Identifiers: ClinVar variation 3047905 (VCV003047905.2), dbSNP rs200722625, ClinGen allele CA6267974.
Genomic context (GRCh38, chr11:108,513,704, plus strand): 5'-CTGAGCAATTCCAAATGAGGAAGCTTCTTTGTTTATATGTACTTCTACAGGAGAACTGTC[C>T]TGTTGACTTACCAACTCACTAGATTTGACGTGATAGCTTGAACCAGTCATGGAGCAAACA-3'
Protein context (NP_055880.2, residues 591-611): HVKSSELVSQ[Gln601=]DSSPVEVHIN

ClinVar aggregate classification (germline): Likely benign (0 of 4 stars; one submission).

Conditions:
EXPH5-related disorder. Also called: EXPH5-related condition.

Allele frequency attached by ClinVar (database versions not stated): gnomAD 0.00003; gnomAD exomes 0.00005; TOPMed 0.00005; ExAC 0.00007; 1000 Genomes Project 0.00020; 1000 Genomes Project 30x 0.00031.
gnomAD v4.1: 74 of 1,612,996 alleles (0.0046%); highest among the groups gnomAD compares: South Asian, 0.061%; no homozygotes.

Submission:

PreventionGenetics, part of Exact Sciences
Classification: Likely benign for EXPH5-related condition. Last evaluated: 2019-04-08. Review status: no assertion criteria provided. Collection method: clinical testing. Allele origin: germline.
Comment: This variant is classified as likely benign based on ACMG/AMP sequence variant interpretation guidelines (Richards et al. 2015 PMID: 25741868, with internal and published modifications).